The following is an entry in ClinVar:

NM_001384474.1(LOXHD1):c.5692+12G>A

Gene: LOXHD1 (lipoxygenase homology PLAT domains 1; minus strand). Cytogenetic location: 18q21.1.
Variant type: single nucleotide variant.
Coding change: c.5692+12G>A on transcript NM_001384474.1 (MANE Select); 12 bases into the intron after coding-DNA position 5692, G replaced by A.
Molecular consequence: intron variant.
Genome position (GRCh38, 1-based): chr18:46,507,526, C>T on the plus strand (G>A on the coding strand, the complement: LOXHD1 is on the minus strand). VCF-style: chr18-46507526-C-T. GRCh37 (hg19) VCF-style: chr18-44087489-C-T.
Other names: c.2359+12G>A (NM_001145472.3); c.2071+12G>A (NM_001308013.2); c.409+12G>A (NM_001173129.2, NM_001145473.3); c.5506+12G>A (NM_144612.7).
Identifiers: ClinVar variation 178394 (VCV000178394.25), dbSNP rs200518261, ClinGen allele CA182245.

ClinVar aggregate classification (germline): Conflicting classifications of pathogenicity. Review status: criteria provided, conflicting classifications (1 of 4 stars). 7 submissions from 7 submitters: Uncertain significance (1); Benign (3); Likely benign (3). Last evaluated 2026-09-01.

Conditions:
Autosomal recessive nonsyndromic hearing loss 77. Identifiers: Orphanet 90636, MedGen C2746083, MONDO:0013119, OMIM 613079.

Allele frequency attached by ClinVar (database versions not stated): gnomAD 0.00083; ESP Exome Variant Server 0.00153; 1000 Genomes Project 0.00160; TOPMed 0.00166; 1000 Genomes Project 30x 0.00172; ExAC 0.00465.
gnomAD v4.1: 2,855 of 1,551,298 alleles (0.18%); highest among the groups gnomAD compares: Middle Eastern, 3%; 24 homozygotes.

Submissions (7):

CeGaT Center for Human Genetics Tuebingen
Classification: Likely benign. Last evaluated: 2026-09-01. Review status: criteria provided, single submitter. Criteria: CeGaT Center For Human Genetics Tuebingen Variant Classification Criteria Version 2. Collection method: clinical testing. Allele origin: germline. Affected: yes. Observed: 3 variant alleles.
Comment: LOXHD1: BS2

Labcorp Genetics (formerly Invitae), Labcorp
Classification: Benign. Last evaluated: 2026-02-02. Review status: criteria provided, single submitter. Criteria: Invitae Variant Classification Sherloc (09022015). Collection method: clinical testing. Allele origin: germline.

Genomic Medicine Center of Excellence, King Faisal Specialist Hospital and Research Centre
Classification: Likely benign. Last evaluated: 2025-07-30. Review status: criteria provided, single submitter. Criteria: ACMG Guidelines, 2015. Collection method: clinical testing. Allele origin: germline.

Blueprint Genetics
Classification: Likely benign. Last evaluated: 2024-11-26. Review status: criteria provided, single submitter. Criteria: ACMG Guidelines, 2015. Collection method: clinical testing. Allele origin: germline.

Illumina Laboratory Services, Illumina
Classification: Uncertain significance for Autosomal recessive nonsyndromic hearing loss 77. Last evaluated: 2018-01-13. Review status: criteria provided, single submitter. Criteria: ICSL Variant Classification Criteria 13 December 2019. Collection method: clinical testing. Allele origin: germline.

Laboratory for Molecular Medicine, Mass General Brigham Personalized Medicine
Classification: Benign. Last evaluated: 2015-06-16. Review status: criteria provided, single submitter. Criteria: LMM Criteria. Collection method: clinical testing. Allele origin: germline. Observed: 18 variant alleles.
Comment: 5506+12G>A in Intron 35 of LOXHD1: This variant is not expected to have clinical significance because it is not located within the conserved splice consensus se quence and has been identified in 0.6% (48/7914) of South Asian chromosomes incl uding 1 homozygote, and in 0.6% (50/3710) of European chromosomes by the Exome A ggregation Consortium (ExAC; dbSNP rs200518261).

PreventionGenetics, part of Exact Sciences
Classification: Benign. Review status: criteria provided, single submitter. Criteria: ACMG Guidelines, 2015. Collection method: clinical testing. Allele origin: germline.